The following is an entry in ClinVar:

NM_001256864.2(DNAJC6):c.2451T>G (p.Pro817=)

Gene: DNAJC6 (DnaJ heat shock protein family (Hsp40) member C6; plus strand). Cytogenetic location: 1p31.3.
Variant type: single nucleotide variant.
Coding change: c.2451T>G on transcript NM_001256864.2 (MANE Select); coding-DNA position 2451, T replaced by G.
Protein change: p.Pro817=; no amino-acid change (proline 817 retained).
Molecular consequence: synonymous variant.
Genome position (GRCh38, 1-based): chr1:65,406,093, T>G. VCF-style: chr1-65406093-T-G. GRCh37 (hg19) VCF-style: chr1-65871776-T-G.
Other names: c.2241T>G, p.Pro747= (NM_001256865.2); c.2280T>G, p.Pro760= (NM_014787.4).
Identifiers: ClinVar variation 705714 (VCV000705714.12), dbSNP rs61733018, ClinGen allele CA894162.

ClinVar aggregate classification (germline): Benign/Likely benign. Review status: criteria provided, multiple submitters, no conflicts (2 of 4 stars). 2 submissions from 2 submitters: Benign (1); Likely benign (1). Last evaluated 2026-01-01.

Conditions:
Juvenile onset Parkinson disease 19A. Also called: PARK19; DNAJC6 Parkinson Disease. Identifiers: Orphanet 391411, MedGen C3809811, MONDO:0014231, OMIM 615528.

Allele frequency attached by ClinVar (database versions not stated): ExAC 0.00031; gnomAD 0.00076; 1000 Genomes Project 0.00100; TOPMed 0.00117; ESP Exome Variant Server 0.00146; 1000 Genomes Project 30x 0.00156.
gnomAD v4.1: 287 of 1,614,190 alleles (0.018%); highest among the groups gnomAD compares: African/African-American, 0.36%; 1 homozygote.

Submissions (2):

CeGaT Center for Human Genetics Tuebingen
Classification: Likely benign. Last evaluated: 2026-01-01. Review status: criteria provided, single submitter. Criteria: CeGaT Center For Human Genetics Tuebingen Variant Classification Criteria Version 2. Collection method: clinical testing. Allele origin: germline. Affected: yes. Observed: 1 variant allele.
Comment: DNAJC6: BP4, BP7

Labcorp Genetics (formerly Invitae), Labcorp
Classification: Benign for Juvenile onset Parkinson disease 19A. Last evaluated: 2025-06-19. Review status: criteria provided, single submitter. Criteria: Invitae Variant Classification Sherloc (09022015). Collection method: clinical testing. Allele origin: germline.